The following is an entry in ClinVar:

NM_000061.3(BTK):c.588+5A>C

Gene: BTK (Bruton tyrosine kinase; minus strand). Cytogenetic location: Xq22.1.
Variant type: single nucleotide variant.
Coding change: c.588+5A>C on transcript NM_000061.3 (MANE Select); 5 bases into the intron after coding-DNA position 588, A replaced by C.
Molecular consequence: intron variant.
Genome position (GRCh38, 1-based): chrX:101,362,168, T>G on the plus strand (A>C on the coding strand, the complement: BTK is on the minus strand). VCF-style: chrX-101362168-T-G. GRCh37 (hg19) VCF-style: chrX-100617156-T-G.
Other names: c.690+5A>C (NM_001287344.2); c.588+5A>C (NM_001287345.2).
Identifiers: ClinVar variation 3678231 (VCV003678231.2).

ClinVar aggregate classification (germline): Uncertain significance (1 of 4 stars; one submission).

Conditions:
X-linked agammaglobulinemia with growth hormone deficiency (IGHD3). Also called: ISOLATED GROWTH HORMONE DEFICIENCY, TYPE III, WITH AGAMMAGLOBULINEMIA; FLEISHER SYNDROME; HYPOGAMMAGLOBULINEMIA AND ISOLATED GROWTH HORMONE DEFICIENCY, X-LINKED; IGHD III; Isolated growth hormone deficiency type 3; Growth hormone deficiency with hypogammaglobulinemia. Identifiers: Orphanet 231692, Orphanet 631, MedGen C0472813, MONDO:0010615, OMIM 307200.

Submission:

Labcorp Genetics (formerly Invitae), Labcorp
Classification: Uncertain significance for X-linked agammaglobulinemia with growth hormone deficiency. Last evaluated: 2024-03-15. Review status: criteria provided, single submitter. Criteria: Invitae Variant Classification Sherloc (09022015). Collection method: clinical testing. Allele origin: germline.
Comment: This sequence change falls in intron 7 of the BTK gene. It does not directly change the encoded amino acid sequence of the BTK protein. It affects a nucleotide within the consensus splice site. This variant is not present in population databases (gnomAD no frequency). This variant has not been reported in the literature in individuals affected with BTK-related conditions. Variants that disrupt the consensus splice site are a relatively common cause of aberrant splicing (PMID: 17576681, 9536098). Algorithms developed to predict the effect of sequence changes on RNA splicing suggest that this variant is not likely to affect RNA splicing. In summary, the available evidence is currently insufficient to determine the role of this variant in disease. Therefore, it has been classified as a Variant of Uncertain Significance.

Literature cited by the submitters: PubMed 17576681; PubMed 9536098.